The following is an entry in ClinVar:

NM_016247.4(IMPG2):c.57G>C (p.Leu19=)

Gene: IMPG2 (interphotoreceptor matrix proteoglycan 2; minus strand). Cytogenetic location: 3q12.3.
Variant type: single nucleotide variant.
Coding change: c.57G>C on transcript NM_016247.4 (MANE Select); coding-DNA position 57, G replaced by C.
Protein change: p.Leu19=; no amino-acid change (leucine 19 retained).
Molecular consequence: synonymous variant.
Genome position (GRCh38, 1-based): chr3:101,320,316, C>G on the plus strand (G>C on the coding strand, the complement: IMPG2 is on the minus strand). VCF-style: chr3-101320316-C-G. GRCh37 (hg19) VCF-style: chr3-101039160-C-G.
Identifiers: ClinVar variation 342359 (VCV000342359.21), dbSNP rs188916371, ClinGen allele CA2519576.

ClinVar aggregate classification (germline): Conflicting classifications of pathogenicity. Review status: criteria provided, conflicting classifications (1 of 4 stars). 4 submissions from 4 submitters: Uncertain significance (1); Benign (1); Likely benign (2). Last evaluated 2025-11-24.

Conditions:
Retinitis pigmentosa (RP). Identifiers: Orphanet 791, MedGen C0035334, MeSH D012174, MONDO:0019200, OMIM 268000. Inheritance: Autosomal dominant, autosomal recessive and X linked inheritance.

Allele frequency attached by ClinVar (database versions not stated): gnomAD 0.00013 and 0.00016; TOPMed 0.00014; ESP Exome Variant Server 0.00015; 1000 Genomes Project 0.00020; gnomAD exomes 0.00029 and 0.00040; 1000 Genomes Project 30x 0.00031; ExAC 0.00047.
gnomAD v4.1: 453 of 1,604,376 alleles (0.028%); highest among the groups gnomAD compares: South Asian, 0.22%; 3 homozygotes.

Submissions (4):

Labcorp Genetics (formerly Invitae), Labcorp
Classification: Benign. Last evaluated: 2025-11-24. Review status: criteria provided, single submitter. Criteria: Invitae Variant Classification Sherloc (09022015). Collection method: clinical testing. Allele origin: germline.

CeGaT Center for Human Genetics Tuebingen
Classification: Likely benign. Last evaluated: 2025-09-01. Review status: criteria provided, single submitter. Criteria: CeGaT Center For Human Genetics Tuebingen Variant Classification Criteria Version 2. Collection method: clinical testing. Allele origin: germline. Affected: yes. Observed: 1 variant allele.
Comment: IMPG2: BP4, BS1

Blueprint Genetics
Classification: Likely benign. Last evaluated: 2024-11-04. Review status: criteria provided, single submitter. Criteria: ACMG Guidelines, 2015. Collection method: clinical testing. Allele origin: germline.

Illumina Laboratory Services, Illumina
Classification: Uncertain significance for Retinitis pigmentosa. Last evaluated: 2018-01-13. Review status: criteria provided, single submitter. Criteria: ICSL Variant Classification Criteria 13 December 2019. Collection method: clinical testing. Allele origin: germline.